The following is an entry in ClinVar:

NM_000039.3(APOA1):c.214G>A (p.Asp72Asn)

Genes: APOA1-AS (APOA1 antisense RNA; plus strand), APOA1 (apolipoprotein A1; minus strand). Cytogenetic location: 11q23.3.
Variant type: single nucleotide variant.
Coding change: c.214G>A on transcript NM_000039.3 (MANE Select); coding-DNA position 214, G replaced by A.
Protein change: p.Asp72Asn; replaces aspartic acid 72 with asparagine.
Molecular consequence: missense variant.
Genome position (GRCh38, 1-based): chr11:116,836,398, C>T on the plus strand (G>A on the coding strand, the complement: APOA1 is on the minus strand). VCF-style: chr11-116836398-C-T. GRCh37 (hg19) VCF-style: chr11-116707114-C-T.
Other names: c.214G>A, p.Asp72Asn (NM_001318017.2, NM_001318018.2); c.-114G>A (NM_001318021.2); short protein forms D72N.
Identifiers: ClinVar variation 2574405 (VCV002574405.1), dbSNP rs2540291863, ClinGen allele CA382717670.

ClinVar aggregate classification (germline): Uncertain significance (1 of 4 stars; one submission).

Submission:

GeneDx
Classification: Uncertain significance. Last evaluated: 2023-01-25. Review status: criteria provided, single submitter. Criteria: GeneDx Variant Classification Process June 2021. Collection method: clinical testing. Allele origin: germline. Affected: yes.
Comment: Not observed at significant frequency in large population cohorts (gnomAD); In silico analysis supports that this missense variant has a deleterious effect on protein structure/function; Has not been previously published as pathogenic or benign to our knowledge